The following is an entry in ClinVar:

ClinVar aggregate classification (germline): Uncertain significance. Review status: criteria provided, multiple submitters, no conflicts (2 of 4 stars). 4 submissions from 4 submitters: Uncertain significance (4). Last evaluated 2026-08-24.

Conditions:
POLG2-related disorder. Also called: POLG2-related condition; POLG2-related disorders.

Allele frequency attached by ClinVar (database versions not stated): gnomAD exomes 0.00001; gnomAD 0.00008.
gnomAD v4.1: 36 of 1,613,918 alleles (0.0022%); highest among the groups gnomAD compares: Admixed American, 0.023%; no homozygotes.

Submissions (4):

PreventionGenetics, part of Exact Sciences
Classification: Uncertain significance for POLG2-related condition. Last evaluated: 2026-08-24. Review status: criteria provided, single submitter. Criteria: ACMG Guidelines, 2015. Collection method: clinical testing. Allele origin: germline.
Comment: The POLG2 c.827G>A variant is predicted to result in the amino acid substitution p.Ser276Asn. To our knowledge, this variant has not been reported in the literature. This variant is reported in 0.030% of alleles in individuals of Ashkenazi Jewish descent in gnomAD. At this time, the clinical significance of this variant is uncertain due to the absence of conclusive functional and genetic evidence.

CeGaT Center for Human Genetics Tuebingen
Classification: Uncertain significance. Last evaluated: 2026-04-01. Review status: criteria provided, single submitter. Criteria: CeGaT Center For Human Genetics Tuebingen Variant Classification Criteria Version 2. Collection method: clinical testing. Allele origin: germline. Affected: yes. Observed: 2 variant alleles.
Comment: POLG2: PM2, BP4

Labcorp Genetics (formerly Invitae), Labcorp
Classification: Uncertain significance. Last evaluated: 2025-11-21. Review status: criteria provided, single submitter. Criteria: Invitae Variant Classification Sherloc (09022015). Collection method: clinical testing. Allele origin: germline.
Comment: This sequence change replaces serine, which is neutral and polar, with asparagine, which is neutral and polar, at codon 276 of the POLG2 protein (p.Ser276Asn). This variant is present in population databases (rs560482429, gnomAD 0.03%). This variant has not been reported in the literature in individuals affected with POLG2-related conditions. ClinVar contains an entry for this variant (Variation ID: 1392849). An algorithm developed to predict the effect of missense changes on protein structure and function (PolyPhen-2) suggests that this variant is likely to be disruptive. In summary, the available evidence is currently insufficient to determine the role of this variant in disease. Therefore, it has been classified as a Variant of Uncertain Significance.

Ambry Genetics
Classification: Uncertain significance. Last evaluated: 2024-01-23. Review status: criteria provided, single submitter. Criteria: Ambry Variant Classification Scheme 2023. Collection method: clinical testing. Allele origin: germline.

NM_007215.4(POLG2):c.827G>A (p.Ser276Asn)

Genes: POLG2 (DNA polymerase gamma 2, accessory subunit; minus strand), MILR1 (mast cell immunoglobulin like receptor 1; plus strand). Cytogenetic location: 17q23.3.
Variant type: single nucleotide variant.
Coding change: c.827G>A on transcript NM_007215.4 (MANE Select); coding-DNA position 827, G replaced by A.
Protein change: p.Ser276Asn; replaces serine 276 with asparagine.
Molecular consequence: missense variant.
Genome position (GRCh38, 1-based): chr17:64,490,938, C>T on the plus strand (G>A on the coding strand, the complement: POLG2 is on the minus strand). VCF-style: chr17-64490938-C-T. GRCh37 (hg19) VCF-style: chr17-62487055-C-T.
Other names: c.827G>A (NM_007215.3); short protein forms S276N.
Identifiers: ClinVar variation 1392849 (VCV001392849.17), dbSNP rs560482429, ClinGen allele CA8712909.